The following is an entry in ClinVar:

NC_000009.12:g.35658022_35658023insTCTCAGCTTCACAGAGTA

Gene: RMRP (RNA component of mitochondrial RNA processing endoribonuclease; minus strand). Cytogenetic location: 9p13.3.
Variant type: Insertion.
Genome position: GRCh38 VCF-style: chr9-35658022-T-TTCTCAGCTTCACAGAGTA. GRCh37 (hg19) VCF-style: chr9-35658019-T-TTCTCAGCTTCACAGAGTA.
Identifiers: ClinVar variation 2877683 (VCV002877683.3), dbSNP rs1554651430, ClinGen allele CA1846127685.

ClinVar aggregate classification (germline): Pathogenic (1 of 4 stars; one submission).

Conditions:
Anauxetic dysplasia. Identifiers: Orphanet 93347, MedGen C1846796, MONDO:0011773.

Submission:

Labcorp Genetics (formerly Invitae), Labcorp
Classification: Pathogenic for Anauxetic dysplasia. Last evaluated: 2023-06-21. Review status: criteria provided, single submitter. Criteria: Invitae Variant Classification Sherloc (09022015). Collection method: clinical testing. Allele origin: germline.
Comment: This variant occurs in a non-coding region of the RMRP gene. It does not change the encoded amino acid sequence of the RMRP protein. This variant is not present in population databases (gnomAD no frequency). While this particular variant has not been reported in the literature, it is located in the promoter region between the TATA box and the transcription initiation site, and other insertions and duplications immediately upstream of the coding sequence have been reported in individuals affected with cartilage-hair hypoplasia-anauxetic dysplasia (CHH-AD) spectrum disorders (PMID: 16244706, 11207361, 12107819). While functional studies for this variant have not been reported, experimental analyses using patient derived cells, as well as in vitro transfection studies, have shown that promoter insertions result in silencing of RMRP transcription and reduced expression of the gene product (PMID: 11207361, 16254002). For these reasons, this variant has been classified as Pathogenic.

Literature cited by the submitters: PubMed 16244706; PubMed 11207361; PubMed 12107819; PubMed 16254002.